The following is an entry in ClinVar:

NM_016169.4(SUFU):c.649_661del (p.Gln217fs)

Gene: SUFU (SUFU negative regulator of hedgehog signaling; plus strand). Cytogenetic location: 10q24.32.
Variant type: Deletion.
Coding change: c.649_661del on transcript NM_016169.4 (MANE Select); coding-DNA positions 649 to 661, 13 bases deleted (CAGGGCATCCTGG).
Protein change: p.Gln217fs; shifts the reading frame from glutamine 217.
Molecular consequence: frameshift variant.
Genome position (GRCh38, 1-based): chr10:102,593,687-102,593,699, CAGGGCATCCTGG deleted; deleting any 13 consecutive bases within chr10:102,593,685-102,593,699 gives the same sequence; the c. name uses the placement nearest the transcript's 3' end. VCF-style (leftmost placement, unchanged base first): chr10-102593684-GGGCAGGGCATCCT-G. GRCh37 (hg19) VCF-style: chr10-104353441-GGGCAGGGCATCCT-G.
Other names: c.649_661delCAGGGCATCCTGG (NM_016169.3); c.649_661del, p.Gln217fs (NM_001178133.2); short protein forms Q217fs.
Identifiers: ClinVar variation 643519 (VCV000643519.9), dbSNP rs1590062899, ClinGen allele CA915947556.

ClinVar aggregate classification (germline): Pathogenic (1 of 4 stars; one submission).

Conditions:
Gorlin syndrome. Also called: Basal cell nevus syndrome; Nevoid Basal Cell Carcinoma Syndrome. Identifiers: Orphanet 377, MedGen C0004779, MONDO:0007187.
Medulloblastoma (MDB). Also called: MEDULLOBLASTOMA PREDISPOSITION SYNDROME; Medulloblastoma, somatic. Identifiers: Orphanet 616, MedGen C0025149, MeSH D008527, MONDO:0007959, OMIM 155255, HP:0002885.

Submission:

Labcorp Genetics (formerly Invitae), Labcorp
Classification: Pathogenic for Gorlin syndrome; Medulloblastoma. Last evaluated: 2019-08-16. Review status: criteria provided, single submitter. Criteria: Invitae Variant Classification Sherloc (09022015). Collection method: clinical testing. Allele origin: germline.
Comment: This variant is not present in population databases (ExAC no frequency). This variant has not been reported in the literature in individuals with SUFU-related disease. Loss-of-function variants in SUFU are known to be pathogenic (PMID: 22508808, 25403219). For these reasons, this variant has been classified as Pathogenic. This sequence change creates a premature translational stop signal (p.Gln217Serfs*14) in the SUFU gene. It is expected to result in an absent or disrupted protein product.

Literature cited by the submitters: PubMed 22508808; PubMed 25403219.